The following is an entry in ClinVar:

NM_001278116.2(L1CAM):c.2872C>T (p.Leu958=)

Gene: L1CAM (L1 cell adhesion molecule; minus strand). Cytogenetic location: Xq28.
Variant type: single nucleotide variant.
Coding change: c.2872C>T on transcript NM_001278116.2 (MANE Select); coding-DNA position 2872, C replaced by T.
Protein change: p.Leu958=; no amino-acid change (leucine 958 retained).
Molecular consequence: synonymous variant.
Genome position (GRCh38, 1-based): chrX:153,865,088, G>A on the plus strand (C>T on the coding strand, the complement: L1CAM is on the minus strand). VCF-style: chrX-153865088-G-A. GRCh37 (hg19) VCF-style: chrX-153130543-G-A.
Other names: c.2872C>T, p.Leu958= (NM_000425.5, NM_024003.3); c.2857C>T, p.Leu953= (NM_001143963.2).
Identifiers: ClinVar variation 4706333 (VCV004706333.1).
Genomic context (GRCh38, chrX:153,865,088, plus strand): 5'-AGCTCTGCCCCCTCCCCGTGGCCCCTCCACCTCCCTTCCCTGCTGGGGCGGCGCACGCAC[G>A]GGGGTGGTAGGAGAGCACGTAGCCGGTGAGCACGCCGTTGTGGCTGAGTGGGGGCTGCCA-3'
Protein context (NP_001265045.1, residues 948-968): LTGYVLSYHP[Leu958=]DEGGKGQLSF

ClinVar aggregate classification (germline): Uncertain significance (1 of 4 stars; one submission).

Conditions:
Spastic paraplegia. Identifiers: MedGen C0037772, HP:0001258.

gnomAD v4.1: 4 of 1,210,965 alleles (0.00033%); highest among the groups gnomAD compares: African/African-American, 0.0017%; no homozygotes.

Submission:

Labcorp Genetics (formerly Invitae), Labcorp
Classification: Uncertain significance for Spastic paraplegia. Last evaluated: 2025-08-25. Review status: criteria provided, single submitter. Criteria: Invitae Variant Classification Sherloc (09022015). Collection method: clinical testing. Allele origin: germline.
Comment: This sequence change affects codon 958 of the L1CAM mRNA. It is a 'silent' change, meaning that it does not change the encoded amino acid sequence of the L1CAM protein. It affects a nucleotide within the consensus splice site. This variant is present in population databases (rs35902890, gnomAD 0.008%). This variant has not been reported in the literature in individuals affected with L1CAM-related conditions. Algorithms developed to predict the effect of sequence changes on RNA splicing suggest that this variant is not likely to affect RNA splicing. In summary, the available evidence is currently insufficient to determine the role of this variant in disease. Therefore, it has been classified as a Variant of Uncertain Significance.